The following is an entry in ClinVar:

ClinVar aggregate classification (germline): Uncertain significance (1 of 4 stars; one submission).

Conditions:
21-Hydroxylase-Deficient Congenital Adrenal Hyperplasia. Also called: ADRENAL HYPERPLASIA, CONGENITAL, DUE TO 21-HYDROXYLASE DEFICIENCY; ADRENAL HYPERPLASIA III. Identifiers: MedGen C2936858, OMIM 201910.

Submission:

Institute of Medical Genetics and Genomics, Sir Ganga Ram Hospital
Classification: Uncertain significance for 21-Hydroxylase-Deficient Congenital Adrenal Hyperplasia. Last evaluated: 2021-03-10. Review status: criteria provided, single submitter. Criteria: ACMG Guidelines, 2015. Collection method: clinical testing. Allele origin: germline. Affected: yes. Observed: 2 variant alleles.
Comment: Detected in two CAH patients.

Literature cited by the submitters: PubMed 23359698; PubMed 33552137; PubMed 30611409; PubMed 29035424.

NM_000500.9(CYP21A2):c.1064G>C (p.Arg355Pro)

Genes: CYP21A2 (cytochrome P450 family 21 subfamily A member 2; plus strand), LOC106780800 (CYP21A2 recombination region; plus strand). Cytogenetic location: 6p21.33.
Variant type: single nucleotide variant.
Coding change: c.1064G>C on transcript NM_000500.9 (MANE Select); coding-DNA position 1064, G replaced by C.
Protein change: p.Arg355Pro; replaces arginine 355 with proline.
Molecular consequence: missense variant.
Genome position (GRCh38, 1-based): chr6:32,040,530, G>C. VCF-style: chr6-32040530-G-C. GRCh37 (hg19) VCF-style: chr6-32008307-G-C.
Other names: p.Arg355Pro; c.974G>C, p.Arg325Pro (NM_001128590.4); c.659G>C, p.Arg220Pro (NM_001368143.2, NM_001368144.2); short protein forms R325P, R355P, R220P.
Identifiers: ClinVar variation 1345041 (VCV001345041.2), dbSNP rs760216630, ClinGen allele CA363511096.
Genomic context (GRCh38, chr6:32,040,530, plus strand): 5'-TCCCCTACAAGGACCGTGCACGGCTGCCCTTGCTCAATGCCACCATCGCCGAGGTGCTGC[G>C]CCTGCGGCCCGTTGTGCCCTTAGCCTTGCCCCACCGCACCACACGGCCCAGCAGGTGACT-3'
Protein context (NP_000491.4, residues 345-365): LLNATIAEVL[Arg355Pro]LRPVVPLALP